The following is an entry in ClinVar:

NM_001134382.3(IQSEC1):c.882T>A (p.Asp294Glu)

Gene: IQSEC1 (IQ motif and Sec7 domain ArfGEF 1; minus strand). Cytogenetic location: 3p25.2.
Variant type: single nucleotide variant.
Coding change: c.882T>A on transcript NM_001134382.3 (MANE Select); coding-DNA position 882, T replaced by A.
Protein change: p.Asp294Glu; replaces aspartic acid 294 with glutamic acid.
Molecular consequence: missense variant.
Genome position (GRCh38, 1-based): chr3:12,936,134, A>T on the plus strand (T>A on the coding strand, the complement: IQSEC1 is on the minus strand). VCF-style: chr3-12936134-A-T. GRCh37 (hg19) VCF-style: chr3-12977634-A-T.
Other names: c.558T>A, p.Asp186Glu (NM_001330619.3); c.1206T>A, p.Asp402Glu (NM_001376938.2); c.924T>A, p.Asp308Glu (NM_014869.8); short protein forms D294E, D402E, D308E, D186E.
Identifiers: ClinVar variation 2455233 (VCV002455233.26), dbSNP rs1376363406, ClinGen allele CA351517752.

ClinVar aggregate classification (germline): Uncertain significance. Review status: criteria provided, multiple submitters, no conflicts (2 of 4 stars). 2 submissions from 2 submitters: Uncertain significance (2). Last evaluated 2023-02-22.

Allele frequency attached by ClinVar (database versions not stated): TOPMed below 0.00001.
gnomAD v4.1: 5 of 1,612,208 alleles (0.00031%); highest among the groups gnomAD compares: Non-Finnish European, 0.00042%; no homozygotes.

Submissions (2):

Ambry Genetics
Classification: Uncertain significance. Last evaluated: 2023-02-22. Review status: criteria provided, single submitter. Criteria: Ambry Variant Classification Scheme 2023. Collection method: clinical testing. Allele origin: germline.

CeGaT Center for Human Genetics Tuebingen
Classification: Uncertain significance. Last evaluated: 2022-08-01. Review status: criteria provided, single submitter. Criteria: CeGaT Center For Human Genetics Tuebingen Variant Classification Criteria Version 2. Collection method: clinical testing. Allele origin: germline. Affected: yes. Observed: 1 variant allele.
Comment: IQSEC1: PM2